The following is an entry in ClinVar:

NM_001164508.2(NEB):c.16803_16804del (p.Phe5601fs)

Gene: NEB (nebulin; minus strand). Cytogenetic location: 2q23.3.
Variant type: Deletion.
Coding change: c.16803_16804del on transcript NM_001164508.2 (MANE Select); coding-DNA positions 16803 to 16804, 2 bases deleted (TT; older notation c.16803_16804delTT).
Protein change: p.Phe5601fs; shifts the reading frame from phenylalanine 5601.
Molecular consequence: frameshift variant.
Genome position (GRCh38, 1-based): chr2:151,576,255-151,576,256, AA deleted on the plus strand (TT on the coding strand, the reverse complement: NEB is on the minus strand); deleting any 2 consecutive bases within chr2:151,576,255-151,576,258 gives the same sequence; the c. name uses the placement nearest the transcript's 3' end. VCF-style (leftmost placement, unchanged base first): chr2-151576254-CAA-C. GRCh37 (hg19) VCF-style: chr2-152432768-CAA-C.
Other names: c.16803_16804del, p.Phe5601fs (NM_001164507.2, NM_001271208.2); c.11700_11701del, p.Phe3900fs (NM_004543.5); short protein forms F5601fs, F3900fs.
Identifiers: ClinVar variation 1414700 (VCV001414700.6), dbSNP rs2153808479, ClinGen allele CA2573133369.

ClinVar aggregate classification (germline): Pathogenic (1 of 4 stars; one submission).

Conditions:
Nemaline myopathy 2 (NEM2). Also called: Nemaline myopathy 2, autosomal recessive. Identifiers: MedGen C1850569, MONDO:0009725, OMIM 256030.

Submission:

Labcorp Genetics (formerly Invitae), Labcorp
Classification: Pathogenic for Nemaline myopathy 2. Last evaluated: 2021-10-25. Review status: criteria provided, single submitter. Criteria: Invitae Variant Classification Sherloc (09022015). Collection method: clinical testing. Allele origin: germline.
Comment: For these reasons, this variant has been classified as Pathogenic. This variant has not been reported in the literature in individuals affected with NEB-related conditions. This variant is not present in population databases (ExAC no frequency). This sequence change creates a premature translational stop signal (p.Phe5601Leufs*2) in the NEB gene. It is expected to result in an absent or disrupted protein product. Loss-of-function variants in NEB are known to be pathogenic (PMID: 25205138).

Literature cited by the submitters: PubMed 25205138.